The following is an entry in ClinVar:

ClinVar aggregate classification (germline): Pathogenic/Likely pathogenic. Review status: criteria provided, multiple submitters, no conflicts (2 of 4 stars). 4 submissions from 4 submitters: Pathogenic (2); Likely pathogenic (2). Last evaluated 2025-10-04.

Conditions:
Cardiovascular phenotype. Identifiers: MedGen CN230736.
Telangiectasia, hereditary hemorrhagic, type 2 (HHT2). Also called: Telangiectasia, hereditary hemorrhagic, type II; ACVRL1-Related Hereditary Hemorrhagic Telangiectasia. Identifiers: Orphanet 774, MedGen C1838163, MONDO:0010880, OMIM 600376. Disease mechanism: loss of function.

Submissions (4):

Labcorp Genetics (formerly Invitae), Labcorp
Classification: Pathogenic for Telangiectasia, hereditary hemorrhagic, type 2. Last evaluated: 2025-10-04. Review status: criteria provided, single submitter. Criteria: Invitae Variant Classification Sherloc (09022015). Collection method: clinical testing. Allele origin: germline.
Comment: This sequence change replaces methionine, which is neutral and non-polar, with valine, which is neutral and non-polar, at codon 376 of the ACVRL1 protein (p.Met376Val). This variant is not present in population databases (gnomAD no frequency). This missense change has been observed in individuals with hereditary hemorrhagic telangiectasia (HHT) (PMID: 15024723, 16123970, 16690726, 17384219, 17786384). ClinVar contains an entry for this variant (Variation ID: 464754). Invitae Evidence Modeling of protein sequence and biophysical properties (such as structural, functional, and spatial information, amino acid conservation, physicochemical variation, residue mobility, and thermodynamic stability) indicates that this missense variant is expected to disrupt ACVRL1 protein function with a positive predictive value of 95%. For these reasons, this variant has been classified as Pathogenic.

GeneDx
Classification: Likely pathogenic. Last evaluated: 2025-06-23. Review status: criteria provided, single submitter. Criteria: GeneDx Variant Classification Process June 2021. Collection method: clinical testing. Allele origin: germline. Affected: yes.
Comment: Not observed at significant frequency in large population cohorts (gnomAD); In silico analysis supports that this missense variant has a deleterious effect on protein structure/function; This variant is associated with the following publications: (PMID: 15024723, 17384219, 17786384, 15266205, 16690726, 32300199, 16123970)

CeGaT Center for Human Genetics Tuebingen
Classification: Likely pathogenic. Last evaluated: 2025-01-01. Review status: criteria provided, single submitter. Criteria: CeGaT Center For Human Genetics Tuebingen Variant Classification Criteria Version 2. Collection method: clinical testing. Allele origin: germline. Affected: yes. Observed: 1 variant allele.
Comment: ACVRL1: PM2, PM5, PS4:Moderate

Ambry Genetics
Classification: Pathogenic for Cardiovascular phenotype. Last evaluated: 2023-04-10. Review status: criteria provided, single submitter. Criteria: Ambry Variant Classification Scheme 2023. Collection method: clinical testing. Allele origin: germline.
Comment: The p.M376V pathogenic mutation (also known as c.1126A>G), located in coding exon 7 of the ACVRL1 gene, results from an A to G substitution at nucleotide position 1126. The methionine at codon 376 is replaced by valine, an amino acid with highly similar properties. This mutation has been reported in a patient with epistaxis, telangiectasias, gastrointestinal bleeding, liver arteriovenous malformations, and family history (Argyriou L et al., Liver Transpl. 2005; 11(9):1132-5). This variant has also been detected in hereditary hemorrhagic telangiectasia (HHT) cohorts (Prigoda NL et al. J Med Genet. 2006 Sep;43(9):722-8; McDonald J et al. Genet Med. 2020 07;22(7):1201-1205). Other alterations at the same amino acid position, p.M376K (Olivieri C et al, Genet. Med. 2006 Mar; 8(3):183-90), p.M376T (Fernandez-L A et al, Hum. Mutat. 2006 Mar; 27(3):295), and p.M376R (Johnson DW et al, Nat. Genet. 1996 Jun; 13(2):189-95) have also been reported in association with HHT. This variant is considered to be rare based on population cohorts in the Genome Aggregation Database (gnomAD). In addition, this alteration is predicted to be deleterious by in silico analysis. Based on the supporting evidence, this alteration is interpreted as a disease-causing mutation.

Literature cited by the submitters: PubMed 15024723 (cited by Labcorp Genetics (formerly Invitae), Labcorp and Ambry Genetics); PubMed 16123970 (cited by Labcorp Genetics (formerly Invitae), Labcorp and Ambry Genetics); PubMed 16690726 (cited by Labcorp Genetics (formerly Invitae), Labcorp); PubMed 17384219 (cited by Labcorp Genetics (formerly Invitae), Labcorp); PubMed 17786384 (cited by Labcorp Genetics (formerly Invitae), Labcorp); PubMed 32300199 (cited by Ambry Genetics).

NM_000020.3(ACVRL1):c.1126A>G (p.Met376Val)

Gene: ACVRL1 (activin A receptor like type 1; plus strand). Cytogenetic location: 12q13.13.
Variant type: single nucleotide variant.
Coding change: c.1126A>G on transcript NM_000020.3 (MANE Select); coding-DNA position 1126, A replaced by G.
Protein change: p.Met376Val; replaces methionine 376 with valine.
Molecular consequence: missense variant.
Genome position (GRCh38, 1-based): chr12:51,916,113, A>G. VCF-style: chr12-51916113-A-G. GRCh37 (hg19) VCF-style: chr12-52309897-A-G.
Other names: c.1126A>G, p.Met376Val (NM_001077401.2); short protein forms M376V.
Identifiers: ClinVar variation 464754 (VCV000464754.27), dbSNP rs1555153277, ClinGen allele CA384902445.
Genomic context (GRCh38, chr12:51,916,113, plus strand): 5'-TCACAGGGCAGCGATTACCTGGACATCGGCAACAACCCGAGAGTGGGCACCAAGCGGTAC[A>G]TGGCACCCGAGGTGCTGGACGAGCAGATCCGCACGGACTGCTTTGAGTCCTACAAGTGGA-3'
Protein context (NP_000011.2, residues 366-386): NNPRVGTKRY[Met376Val]APEVLDEQIR